The following is an entry in ClinVar:

ClinVar aggregate classification (germline): Uncertain significance (1 of 4 stars; one submission).

Conditions:
Severe early-childhood-onset retinal dystrophy (STGD1). Also called: Stargardt macular dystrophy; Juvenile onset macular degeneration; Stargardt disease 1; MACULAR DYSTROPHY WITH FLECKS, TYPE 1; STGD. Identifiers: Orphanet 364055, Orphanet 827, MedGen C1855465, MeSH D000080362, MONDO:0009549, OMIM 248200.

Submission:

3billion
Classification: Uncertain significance for Severe early-childhood-onset retinal dystrophy. Last evaluated: 2025-01-20. Review status: criteria provided, single submitter. Criteria: ACMG Guidelines, 2015. Collection method: clinical testing. Allele origin: germline. Affected: yes.
Comment: The variant is not observed in the gnomAD v4.1.0 dataset. Predicted Consequence/Location: Missense variant Damaging effect on gene or gene product predicted by in silico programs is uncertain [REVEL: 0.54 (damaging >=0.6, benign <0.4), 3Cnet: 0.21 (damaging >=0.6, benign <0.15)]. Therefore, this variant is classified as VUS according to the recommendation of ACMG/AMP guideline.

NM_000350.3(ABCA4):c.2513T>C (p.Leu838Pro)

Gene: ABCA4 (ATP binding cassette subfamily A member 4; minus strand). Cytogenetic location: 1p22.1.
Variant type: single nucleotide variant.
Coding change: c.2513T>C on transcript NM_000350.3 (MANE Select); coding-DNA position 2513, T replaced by C.
Protein change: p.Leu838Pro; replaces leucine 838 with proline.
Molecular consequence: missense variant.
Genome position (GRCh38, 1-based): chr1:94,055,185, A>G on the plus strand (T>C on the coding strand, the complement: ABCA4 is on the minus strand). VCF-style: chr1-94055185-A-G. GRCh37 (hg19) VCF-style: chr1-94520741-A-G.
Other names: c.2291T>C, p.Leu764Pro (NM_001425324.1); short protein forms L764P, L838P.
Identifiers: ClinVar variation 4292306 (VCV004292306.1).
Genomic context (GRCh38, chr1:94,055,185, plus strand): 5'-TCAAGGTACCAAGCGAGTAAGCCATAGACAGCAGCATCAAGGAGCATCATCTGCATGGAC[A>G]GCAGGAAGCTGAATTCGTCCCCTTCCGTGGGACTGTTCCCGATGTTGCTCCACTGCAGCC-3'
Protein context (NP_000341.2, residues 828-848): PTEGDEFSFL[Leu838Pro]SMQMMLLDAA